The following is an entry in ClinVar:

NM_138387.4(G6PC3):c.495A>T (p.Leu165Phe)

Gene: G6PC3 (glucose-6-phosphatase catalytic subunit 3; plus strand). Cytogenetic location: 17q21.31.
Variant type: single nucleotide variant.
Coding change: c.495A>T on transcript NM_138387.4 (MANE Select); coding-DNA position 495, A replaced by T.
Protein change: p.Leu165Phe; replaces leucine 165 with phenylalanine.
Molecular consequence: missense variant. On other transcripts: intron variant (1).
Genome position (GRCh38, 1-based): chr17:44,075,047, A>T. VCF-style: chr17-44075047-A-T. GRCh37 (hg19) VCF-style: chr17-42152415-A-T.
Other names: c.150A>T, p.Leu50Phe (NM_001384165.1, NM_001384166.1, NM_001384167.1 and 1 more transcripts); c.417-263A>T (NM_001319945.2); short protein forms L50F, L165F.
Identifiers: ClinVar variation 5022092 (VCV005022092.1).
Genomic context (GRCh38, chr17:44,075,047, plus strand): 5'-GCCTAGCCTGGCTTATTGCACCTTCCTTTTGGCGGTTGGCTTGTCGCGAATCTTCATCTT[A>T]GCACATTTCCCTCACCAGGTGCTGGCTGGCCTAATAACTGGTGAGCAACTGGGGCAACGG-3'
Protein context (NP_612396.1, residues 155-175): LAVGLSRIFI[Leu165Phe]AHFPHQVLAG

ClinVar aggregate classification (germline): Uncertain significance (1 of 4 stars; one submission).

Conditions:
Inborn genetic diseases. Identifiers: MedGen C0950123, MeSH D030342.

Submission:

Ambry Genetics
Classification: Uncertain significance for Inborn genetic diseases. Last evaluated: 2026-07-23. Review status: criteria provided, single submitter. Criteria: Ambry Variant Classification Scheme 2023. Collection method: clinical testing. Allele origin: germline.
Comment: The p.L165F variant (also known as c.495A>T), located in coding exon 4 of the G6PC3 gene, results from an A to T substitution at nucleotide position 495. The leucine at codon 165 is replaced by phenylalanine, an amino acid with highly similar properties. This amino acid position is conserved. In addition, the in silico prediction for this alteration is inconclusive. Based on the available evidence, the clinical significance of this variant remains unclear.